The following is an entry in ClinVar:

ClinVar aggregate classification (germline): Benign. Review status: criteria provided, multiple submitters, no conflicts (2 of 4 stars). 2 submissions from 2 submitters: Benign (2). Last evaluated 2018-01-13.

Conditions:
Brain small vessel disease 2A, autosomal dominant. Also called: Porencephaly 2. Identifiers: Orphanet 2940, Orphanet 99810, MedGen C3280970, MONDO:0013773, OMIM 614483.

Allele frequency attached by ClinVar (database versions not stated): TOPMed 0.42939; gnomAD exomes 0.43750; 1000 Genomes Project 30x 0.50390; 1000 Genomes Project 0.51078.
gnomAD v4.1: 66,890 of 151,878 alleles (44%); highest among the groups gnomAD compares: East Asian, 75%; 15,104 homozygotes.

Submissions (2):

Illumina Laboratory Services, Illumina
Classification: Benign for Brain small vessel disease 2A, autosomal dominant. Last evaluated: 2018-01-13. Review status: criteria provided, single submitter. Criteria: ICSL Variant Classification Criteria 13 December 2019. Collection method: clinical testing. Allele origin: germline.
Comment: This variant was observed in the ICSL laboratory as part of a predisposition screen in an ostensibly healthy population. It had not been previously curated by ICSL or reported in the Human Gene Mutation Database (HGMD: prior to June 1st, 2018), and was therefore a candidate for classification through an automated scoring system. Utilizing variant allele frequency, disease prevalence and penetrance estimates, and inheritance mode, an automated score was calculated to assess if this variant is too frequent to cause the disease. Based on the score and internal cut-off values, a variant classified as benign is not then subjected to further curation. The score for this variant resulted in a classification of benign for this disease.

Breakthrough Genomics
Classification: Benign. Review status: criteria provided, single submitter. Criteria: ACMG Guidelines, 2015. Collection method: not provided. Allele origin: germline. Inheritance: Autosomal dominant inheritance. Affected: yes.

NM_001846.4(COL4A2):c.*727G>C

Gene: COL4A2 (collagen type IV alpha 2 chain; plus strand). Cytogenetic location: 13q34.
Variant type: single nucleotide variant.
Coding change: c.*727G>C on transcript NM_001846.4 (MANE Select); 727 bases downstream of the stop codon, G replaced by C.
Molecular consequence: 3 prime UTR variant.
Genome position (GRCh38, 1-based): chr13:110,512,918, G>C. VCF-style: chr13-110512918-G-C. GRCh37 (hg19) VCF-style: chr13-111165265-G-C.
Identifiers: ClinVar variation 311214 (VCV000311214.6), dbSNP rs15457, ClinGen allele CA10643823.